The following is an entry in ClinVar:

NM_012448.4(STAT5B):c.46C>T (p.His16Tyr)

Gene: STAT5B (signal transducer and activator of transcription 5B; minus strand). Cytogenetic location: 17q21.2.
Variant type: single nucleotide variant.
Coding change: c.46C>T on transcript NM_012448.4 (MANE Select); coding-DNA position 46, C replaced by T.
Protein change: p.His16Tyr; replaces histidine 16 with tyrosine.
Molecular consequence: missense variant.
Genome position (GRCh38, 1-based): chr17:42,232,082, G>A on the plus strand (C>T on the coding strand, the complement: STAT5B is on the minus strand). VCF-style: chr17-42232082-G-A. GRCh37 (hg19) VCF-style: chr17-40384100-G-A.
Other names: short protein forms H16Y.
Identifiers: ClinVar variation 2747073 (VCV002747073.3), dbSNP rs2508803767, ClinGen allele CA399594069.

ClinVar aggregate classification (germline): Uncertain significance (1 of 4 stars; one submission).

Conditions:
Growth hormone insensitivity with immune dysregulation 1, autosomal recessive. Also called: LARON SYNDROME DUE TO POSTRECEPTOR DEFECT; GROWTH HORMONE INSENSITIVITY SYNDROME WITH IMMUNE DYSREGULATION 1, AUTOSOMAL RECESSIVE; GROWTH HORMONE INSENSITIVITY DUE TO POSTRECEPTOR DEFECT; Laron syndrome with immunodeficiency. Identifiers: Orphanet 220465, MedGen C5435698, MONDO:0100211, OMIM 245590.

Submission:

Labcorp Genetics (formerly Invitae), Labcorp
Classification: Uncertain significance for Growth hormone insensitivity with immune dysregulation 1, autosomal recessive. Last evaluated: 2025-11-03. Review status: criteria provided, single submitter. Criteria: Invitae Variant Classification Sherloc (09022015). Collection method: clinical testing. Allele origin: germline.
Comment: This sequence change replaces histidine, which is basic and polar, with tyrosine, which is neutral and polar, at codon 16 of the STAT5B protein (p.His16Tyr). This variant is not present in population databases (gnomAD no frequency). This variant has not been reported in the literature in individuals affected with STAT5B-related conditions. ClinVar contains an entry for this variant (Variation ID: 2747073). Invitae Evidence Modeling of protein sequence and biophysical properties (such as structural, functional, and spatial information, amino acid conservation, physicochemical variation, residue mobility, and thermodynamic stability) indicates that this missense variant is not expected to disrupt STAT5B protein function with a negative predictive value of 80%. In summary, the available evidence is currently insufficient to determine the role of this variant in disease. Therefore, it has been classified as a Variant of Uncertain Significance.